The following is an entry in ClinVar:

NM_000501.4(ELN):c.785C>G (p.Ala262Gly)

Gene: ELN (elastin; plus strand). Cytogenetic location: 7q11.23.
Variant type: single nucleotide variant.
Coding change: c.785C>G on transcript NM_000501.4 (MANE Select); coding-DNA position 785, C replaced by G.
Protein change: p.Ala262Gly; replaces alanine 262 with glycine.
Molecular consequence: missense variant.
Genome position (GRCh38, 1-based): chr7:74,048,542, C>G. VCF-style: chr7-74048542-C-G. GRCh37 (hg19) VCF-style: chr7-73462872-C-G.
Other names: c.755C>G, p.Ala252Gly (NM_001081752.3, NM_001278917.2); c.800C>G, p.Ala267Gly (NM_001081753.3, NM_001081754.3); c.785C>G, p.Ala262Gly (NM_001081755.3, NM_001278912.2, NM_001278915.2 and 1 more transcripts); c.677C>G, p.Ala226Gly (NM_001278913.2); c.770C>G, p.Ala257Gly (NM_001278914.2); c.743C>G, p.Ala248Gly (NM_001278916.2); c.653C>G, p.Ala218Gly (NM_001278918.2); short protein forms A218G, A226G, A248G, A252G, A257G, A262G, A267G.
Identifiers: ClinVar variation 1307582 (VCV001307582.2), dbSNP rs2131673490, ClinGen allele CA367870661.

ClinVar aggregate classification (germline): Uncertain significance (1 of 4 stars; one submission).

Submission:

GeneDx
Classification: Uncertain significance. Last evaluated: 2019-08-07. Review status: criteria provided, single submitter. Criteria: GeneDx Variant Classification Process June 2021. Collection method: clinical testing. Allele origin: germline. Affected: yes.
Comment: Has not been previously published as pathogenic or benign to our knowledge; Not observed in large population cohorts (Lek et al., 2016); In silico analysis, which includes protein predictors and evolutionary conservation, supports that this variant does not alter protein structure/function